The following is an entry in ClinVar:

ClinVar aggregate classification (germline): Pathogenic/Likely pathogenic. Review status: criteria provided, multiple submitters, no conflicts (2 of 4 stars). 5 submissions from 5 submitters: Pathogenic (3); Likely pathogenic (2). Last evaluated 2026-07-20.

Conditions:
Neurofibromatosis, familial spinal (FSNF). Identifiers: Orphanet 636, MedGen C1834235, MONDO:0008078, OMIM 162210. Disease mechanism: loss of function.
Neurofibromatosis, type 1 (NF1). Also called: NEUROFIBROMATOSIS, TYPE I, SOMATIC; VON RECKLINGHAUSEN DISEASE; Neurofibromatosis, type I; Peripheral type neurofibromatosis. Identifiers: Orphanet 636, MedGen C0027831, MONDO:0018975, OMIM 162200. Disease mechanism: loss of function.
Café-au-lait macules with pulmonary stenosis (WTSN). Also called: PULMONIC STENOSIS WITH CAFE-AU-LAIT SPOTS. Identifiers: MedGen C0553586, MONDO:0008672, OMIM 193520.
Neurofibromatosis-Noonan syndrome (NFNS). Also called: NEUROFIBROMATOSIS WITH NOONAN PHENOTYPE. Identifiers: Orphanet 638, MedGen C2931482, MONDO:0011035, OMIM 601321. Disease mechanism: loss of function.
Juvenile myelomonocytic leukemia (JMML). Also called: LEUKEMIA, JUVENILE MYELOMONOCYTIC, SOMATIC. Identifiers: Orphanet 86834, MedGen C0349639, MONDO:0011908, OMIM 607785, HP:0012209.
Cardiovascular phenotype. Identifiers: MedGen CN230736.
Hereditary cancer-predisposing syndrome. Also called: Tumor predisposition; Hereditary Cancer Syndrome; Neoplastic Syndromes, Hereditary; Hereditary neoplastic syndrome. Identifiers: Orphanet 140162, MedGen C0027672, MeSH D009386, MONDO:0015356.

Submissions (5):

Ambry Genetics
Classification: Pathogenic for Cardiovascular phenotype; Hereditary cancer-predisposing syndrome. Last evaluated: 2026-07-20. Review status: criteria provided, single submitter. Criteria: Ambry Variant Classification Scheme 2023. Collection method: clinical testing. Allele origin: germline.
Comment: The c.4515-20_4515-18delAAG intronic pathogenic mutation, located in intron 33 of the NF1 gene, results from a deletion of 3 nucleotides within intron 33 of the NF1 gene. This variant was reported in individual(s) with features consistent with neurofibromatosis type 1; in at least one individual, it was determined to be de novo (Wang X et al. Genes Chromosomes Cancer, 2018 Jan;57:19-27; Wimmer K et al. Hum Mutat, 2020 Jun;41:1145-1156). This nucleotide position is well conserved in available vertebrate species. In silico splice site analysis for this alteration is inconclusive. RNA studies have demonstrated that this variant results in abnormal splicing (Wang X et al. Genes Chromosomes Cancer, 2018 Jan;57:19-27; Wimmer K et al. Hum Mutat, 2020 Jun;41:1145-1156; Ambry internal data). This variant is considered to be rare based on population cohorts in the Genome Aggregation Database (gnomAD). Based on the supporting evidence, this variant is interpreted as a disease-causing mutation.

Genome-Nilou Lab
Classification: Likely pathogenic for Neurofibromatosis, type 1. Last evaluated: 2022-03-15. Review status: criteria provided, single submitter. Criteria: ACMG Guidelines, 2015. Collection method: clinical testing. Allele origin: germline. Affected: no.

Labcorp Genetics (formerly Invitae), Labcorp
Classification: Pathogenic for Neurofibromatosis, type 1. Last evaluated: 2021-12-02. Review status: criteria provided, single submitter. Criteria: Invitae Variant Classification Sherloc (09022015). Collection method: clinical testing. Allele origin: germline.
Comment: ClinVar contains an entry for this variant (Variation ID: 816747). This variant has been observed in individual(s) with neurofibromatosis type 1 (PMID: 28891274, 32126153; Invitae). This variant is not present in population databases (gnomAD no frequency). This sequence change falls in intron 33 of the NF1 gene. It does not directly change the encoded amino acid sequence of the NF1 protein. RNA analysis indicates that this variant induces altered splicing and may result in an absent or disrupted protein product. Studies have shown that this variant results in use of a cryptic splice site and introduces a premature termination codon (PMID: 28891274, 32126153). The resulting mRNA is expected to undergo nonsense-mediated decay. For these reasons, this variant has been classified as Pathogenic.

UAB Medical Genomics Laboratory, UAB Medicine
Classification: Pathogenic for Neurofibromatosis, type 1. Last evaluated: 2020-01-20. Review status: criteria provided, single submitter. Criteria: ACMG Guidelines, 2015. Collection method: clinical testing. Allele origin: germline. Affected: yes.

Department of Pathology and Laboratory Medicine, Sinai Health System
Classification: Likely pathogenic for Neurofibromatosis, type 1; Neurofibromatosis, familial spinal; Café-au-lait macules with pulmonary stenosis; Neurofibromatosis-Noonan syndrome; Juvenile myelomonocytic leukemia. Review status: criteria provided, single submitter. Criteria: ACMG Guidelines, 2015. Collection method: clinical testing. Allele origin: germline.

Literature cited by the submitters: PubMed 28891274 (cited by Ambry Genetics and Labcorp Genetics (formerly Invitae), Labcorp); PubMed 32126153 (cited by 3 submitters).

NM_001042492.3(NF1):c.4578-20_4578-18del

Gene: NF1 (neurofibromin 1; plus strand). Cytogenetic location: 17q11.2.
Variant type: Deletion.
Coding change: c.4578-20_4578-18del on transcript NM_001042492.3 (MANE Select); 20 bases into the intron before coding-DNA position 4578 through 18 bases into the intron before coding-DNA position 4578, 3 bases deleted (AAG; older notation c.4578-20_4578-18delAAG).
Molecular consequence: intron variant.
Genome position (GRCh38, 1-based): chr17:31,261,691-31,261,693, AAG deleted. VCF-style (leftmost placement, unchanged base first): chr17-31261690-TAAG-T. GRCh37 (hg19) VCF-style: chr17-29588708-TAAG-T.
Other names: c.4515-20_4515-18delAAG (NM_000267.3); c.4515-20_4515-18del (NM_000267.4).
Identifiers: ClinVar variation 816747 (VCV000816747.10), dbSNP rs1597748617, ClinGen allele CA915949656.